The following is an entry in ClinVar:

ClinVar aggregate classification (germline): Likely pathogenic (1 of 4 stars; one submission).

Conditions:
Myopathy with abnormal lipid metabolism. Also called: Lipid storage myopathy due to flavin adenine dinucleotide synthetase deficiency. Identifiers: MedGen C4310822, MONDO:0009703, OMIM 255100.

Submission:

Suma Genomics
Classification: Likely pathogenic for Myopathy with abnormal lipid metabolism. Review status: criteria provided, single submitter. Criteria: ACMG Guidelines, 2015. Collection method: clinical testing. Allele origin: germline. Inheritance: Autosomal recessive inheritance. Affected: yes. Observed: 1 compound heterozygote.
Comment: A frameshift variant c.512_528del, p.(Thr171ArgfsTer8) in exon 2 of FLAD1 in heterozygous state. This variant is not observed in the gnomAD database. ACMG classification: Likely pathogenic Criteria met: PVS1 and PM2_Supporting

NM_025207.5(FLAD1):c.512_528del (p.Thr171fs)

Gene: FLAD1 (flavin adenine dinucleotide synthetase 1; plus strand). Cytogenetic location: 1q21.3.
Variant type: Deletion.
Coding change: c.512_528del on transcript NM_025207.5 (MANE Select); coding-DNA positions 512 to 528, 17 bases deleted (CCCATGTCCTCACAGCA).
Protein change: p.Thr171fs; shifts the reading frame from threonine 171.
Molecular consequence: frameshift variant.
Genome position (GRCh38, 1-based): chr1:154,988,244-154,988,260, CCCATGTCCTCACAGCA deleted; deleting any 17 consecutive bases within chr1:154,988,242-154,988,260 gives the same sequence; the c. name uses the placement nearest the transcript's 3' end. VCF-style (leftmost placement, unchanged base first): chr1-154988241-TCACCCATGTCCTCACAG-T. GRCh37 (hg19) VCF-style: chr1-154960717-TCACCCATGTCCTCACAG-T.
Other names: c.221_237del, p.Thr74fs (NM_001184891.2, NM_201398.3); c.215_231del, p.Thr72fs (NM_001184892.2); short protein forms T171fs, T72fs, T74fs.
Identifiers: ClinVar variation 3600995 (VCV003600995.2).